The following is an entry in ClinVar:

ClinVar aggregate classification (germline): Likely benign. Review status: criteria provided, single submitter (1 of 4 stars). 2 submissions from 2 submitters: Likely benign (1). 1 of the submissions does not count toward it. Last evaluated 2024-02-23.

Conditions:
DSG4-related disorder. Also called: DSG4-related condition.

Allele frequency attached by ClinVar (database versions not stated): gnomAD 0.00002; gnomAD exomes 0.00002; ExAC 0.00003; TOPMed 0.00006.

Submissions (2):

Labcorp Genetics (formerly Invitae), Labcorp
Classification: Likely benign. Last evaluated: 2024-02-23. Review status: criteria provided, single submitter. Criteria: Invitae Variant Classification Sherloc (09022015). Collection method: clinical testing. Allele origin: germline.

PreventionGenetics, part of Exact Sciences
Classification: Likely benign for DSG4-related condition. Last evaluated: 2019-11-08. Review status: no assertion criteria provided. Collection method: clinical testing. Allele origin: germline. Not counted in ClinVar's aggregate classification.
Comment: This variant is classified as likely benign based on ACMG/AMP sequence variant interpretation guidelines (Richards et al. 2015 PMID: 25741868, with internal and published modifications).

NM_177986.5(DSG4):c.2997A>T (p.Pro999=)

Genes: DSG1-AS1 (DSG1 antisense RNA 1; minus strand), DSG4 (desmoglein 4; plus strand). Cytogenetic location: 18q12.1.
Variant type: single nucleotide variant.
Coding change: c.2997A>T on transcript NM_177986.5 (MANE Select); coding-DNA position 2997, A replaced by T.
Protein change: p.Pro999=; no amino-acid change (proline 999 retained).
Molecular consequence: synonymous variant.
Genome position (GRCh38, 1-based): chr18:31,413,469, A>T. VCF-style: chr18-31413469-A-T. GRCh37 (hg19) VCF-style: chr18-28993432-A-T.
Other names: c.3054A>T, p.Pro1018= (NM_001134453.3); c.2997A>T (NM_177986.4).
Identifiers: ClinVar variation 2906178 (VCV002906178.5), dbSNP rs771473707, ClinGen allele CA8927447.